The following is an entry in ClinVar:

ClinVar aggregate classification (germline): Uncertain significance (1 of 4 stars; one submission).

Submission:

Labcorp Genetics (formerly Invitae), Labcorp
Classification: Uncertain significance. Last evaluated: 2025-11-18. Review status: criteria provided, single submitter. Criteria: Invitae Variant Classification Sherloc (09022015). Collection method: clinical testing. Allele origin: germline.
Comment: This variant, c.1053_1054delinsCC, is a complex sequence change that results in the deletion of 2 and insertion of 2 amino acid(s) in the ANKZF1 protein (p.Glu351_Asp352delinsAspHis). Information on the frequency of this variant in the gnomAD database is not available, as this variant may be reported differently in the database. This variant has not been reported in the literature in individuals affected with ANKZF1-related conditions. ClinVar contains an entry for this variant (Variation ID: 2962176). Experimental studies and prediction algorithms are not available or were not evaluated, and the functional significance of this variant is currently unknown. In summary, the available evidence is currently insufficient to determine the role of this variant in disease. Therefore, it has been classified as a Variant of Uncertain Significance.

NM_018089.3(ANKZF1):c.1053_1054delinsCC (p.Glu351_Asp352delinsAspHis)

Gene: ANKZF1 (ankyrin repeat and zinc finger peptidyl tRNA hydrolase 1; plus strand). Cytogenetic location: 2q35.
Variant type: Indel.
Coding change: c.1053_1054delinsCC on transcript NM_018089.3 (MANE Select); coding-DNA positions 1053 to 1054, AG replaced by CC.
Protein change: p.Glu351_Asp352delinsAspHis.
Molecular consequence: missense variant.
Genome position (GRCh38, 1-based): chr2:219,234,137-219,234,138, AG replaced by CC. VCF-style: chr2-219234137-AG-CC. GRCh37 (hg19) VCF-style: chr2-220098859-AG-CC.
Other names: c.1053_1054delinsCC, p.Glu351_Asp352delinsAspHis (NM_001042410.2); c.423_424delinsCC, p.Glu141_Asp142delinsAspHis (NM_001282792.2).
Identifiers: ClinVar variation 2962176 (VCV002962176.3), dbSNP rs2544922763, ClinGen allele CA2740096469.